The following is an entry in ClinVar:

ClinVar aggregate classification (germline): Uncertain significance (1 of 4 stars; one submission).

Allele frequency attached by ClinVar (database versions not stated): gnomAD exomes below 0.00001.
gnomAD v4.1: 1 of 1,613,708 alleles (0.000062%); highest among the groups gnomAD compares: Non-Finnish European, 0.000085%; no homozygotes.

Submission:

CeGaT Center for Human Genetics Tuebingen
Classification: Uncertain significance. Last evaluated: 2024-04-01. Review status: criteria provided, single submitter. Criteria: CeGaT Center For Human Genetics Tuebingen Variant Classification Criteria Version 2. Collection method: clinical testing. Allele origin: germline. Affected: yes. Observed: 1 variant allele.
Comment: VPS4A: PM2:Supporting, BP4

NM_013245.3(VPS4A):c.399G>A (p.Glu133=)

Gene: VPS4A (vacuolar protein sorting 4 homolog A; plus strand). Cytogenetic location: 16q22.1.
Variant type: single nucleotide variant.
Coding change: c.399G>A on transcript NM_013245.3 (MANE Select); coding-DNA position 399, G replaced by A.
Protein change: p.Glu133=; no amino-acid change (glutamic acid 133 retained).
Molecular consequence: synonymous variant.
Genome position (GRCh38, 1-based): chr16:69,318,878, G>A. VCF-style: chr16-69318878-G-A. GRCh37 (hg19) VCF-style: chr16-69352781-G-A.
Identifiers: ClinVar variation 3234658 (VCV003234658.20), dbSNP rs2544550886, ClinGen allele CA496159232.